The following is an entry in ClinVar:

NM_025009.5(CEP135):c.502C>T (p.Arg168Cys)

Gene: CEP135 (centrosomal protein 135; plus strand). Cytogenetic location: 4q12.
Variant type: single nucleotide variant.
Coding change: c.502C>T on transcript NM_025009.5 (MANE Select); coding-DNA position 502, C replaced by T.
Protein change: p.Arg168Cys; replaces arginine 168 with cysteine.
Molecular consequence: missense variant.
Genome position (GRCh38, 1-based): chr4:55,957,252, C>T. VCF-style: chr4-55957252-C-T. GRCh37 (hg19) VCF-style: chr4-56823418-C-T.
Other names: c.502C>T (NM_025009.3); short protein forms R168C.
Identifiers: ClinVar variation 1336013 (VCV001336013.8), dbSNP rs750392584, ClinGen allele CA2927574.

ClinVar aggregate classification (germline): Uncertain significance. Review status: criteria provided, multiple submitters, no conflicts (2 of 4 stars). 4 submissions from 4 submitters: Uncertain significance (4). Last evaluated 2024-08-05.

Conditions:
Inborn genetic diseases. Identifiers: MedGen C0950123, MeSH D030342.

Allele frequency attached by ClinVar (database versions not stated): gnomAD 0.00003 and 0.00005; TOPMed 0.00003; ExAC 0.00004.
gnomAD v4.1: 63 of 1,613,824 alleles (0.0039%); highest among the groups gnomAD compares: Middle Eastern, 0.099%; no homozygotes.

Submissions (4):

GeneDx
Classification: Uncertain significance. Last evaluated: 2024-08-05. Review status: criteria provided, single submitter. Criteria: GeneDx Variant Classification Process June 2021. Collection method: clinical testing. Allele origin: germline. Affected: yes.
Comment: In silico analysis supports that this missense variant has a deleterious effect on protein structure/function; Has not been previously published as pathogenic or benign to our knowledge

Labcorp Genetics (formerly Invitae), Labcorp
Classification: Uncertain significance. Last evaluated: 2022-07-19. Review status: criteria provided, single submitter. Criteria: Invitae Variant Classification Sherloc (09022015). Collection method: clinical testing. Allele origin: germline.
Comment: This sequence change replaces arginine, which is basic and polar, with cysteine, which is neutral and slightly polar, at codon 168 of the CEP135 protein (p.Arg168Cys). This variant is present in population databases (rs750392584, gnomAD 0.03%). This variant has not been reported in the literature in individuals affected with CEP135-related conditions. ClinVar contains an entry for this variant (Variation ID: 1336013). Algorithms developed to predict the effect of missense changes on protein structure and function are either unavailable or do not agree on the potential impact of this missense change (SIFT: "Deleterious"; PolyPhen-2: "Probably Damaging"; Align-GVGD: "Class C0"). Algorithms developed to predict the effect of sequence changes on RNA splicing suggest that this variant may create or strengthen a splice site. In summary, the available evidence is currently insufficient to determine the role of this variant in disease. Therefore, it has been classified as a Variant of Uncertain Significance.

Genetic Services Laboratory, University of Chicago
Classification: Uncertain significance. Last evaluated: 2021-11-19. Review status: criteria provided, single submitter. Criteria: ACMG Guidelines, 2015. Collection method: clinical testing. Allele origin: germline. Affected: no.
Comment: DNA sequence analysis of the CEP135 gene demonstrated a sequence change, c.502C>T, in exon 5 that results in an amino acid change, p.Arg168Cys. This sequence change has been described in the gnomAD database with a frequency of 0.03% in the Latino/admixed American subpopulation (dbSNP rs750392584). The p.Arg168Cys change affects a moderately conserved amino acid residue located in a domain of the CEP135 protein that is not known to be functional. In-silico pathogenicity prediction tools (SIFT, PolyPhen2, Align GVGD, REVEL) provide contradictory results for the p.Arg168Cys substitution. This sequence change does not appear to have been previously described in individuals with CEP135-related disorders. Due to insufficient evidences and the lack of functional studies, the clinical significance of the p.Arg168Cys change remains unknown at this time.

Ambry Genetics
Classification: Uncertain significance for Inborn genetic diseases. Last evaluated: 2021-07-21. Review status: criteria provided, single submitter. Criteria: Ambry Variant Classification Scheme 2023. Collection method: clinical testing. Allele origin: germline.